The following is an entry in ClinVar:

ClinVar aggregate classification (germline): Uncertain significance (1 of 4 stars; one submission).

Conditions:
Holocarboxylase synthetase deficiency. Also called: MULTIPLE CARBOXYLASE DEFICIENCY, EARLY ONSET. Identifiers: Orphanet 79242, MedGen C0268581, MONDO:0009666, OMIM 253270.

Allele frequency attached by ClinVar (database versions not stated): gnomAD exomes 0.00001; TOPMed 0.00001.
gnomAD v4.1: 10 of 1,614,152 alleles (0.00062%); highest among the groups gnomAD compares: East Asian, 0.0067%; no homozygotes.

Submission:

Labcorp Genetics (formerly Invitae), Labcorp
Classification: Uncertain significance for Holocarboxylase synthetase deficiency. Last evaluated: 2021-10-13. Review status: criteria provided, single submitter. Criteria: Invitae Variant Classification Sherloc (09022015). Collection method: clinical testing. Allele origin: germline.
Comment: This sequence change replaces glutamic acid with lysine at codon 504 of the HLCS protein (p.Glu504Lys). The glutamic acid residue is weakly conserved and there is a small physicochemical difference between glutamic acid and lysine. This variant is not present in population databases (ExAC no frequency). This variant has not been reported in the literature in individuals with HLCS-related conditions. Algorithms developed to predict the effect of missense changes on protein structure and function (SIFT, PolyPhen-2, Align-GVGD) all suggest that this variant is likely to be tolerated, but these predictions have not been confirmed by published functional studies and their clinical significance is uncertain. In summary, the available evidence is currently insufficient to determine the role of this variant in disease. Therefore, it has been classified as a Variant of Uncertain Significance.

NM_001352514.2(HLCS):c.1951G>A (p.Glu651Lys)

Gene: HLCS (holocarboxylase synthetase; minus strand). Cytogenetic location: 21q22.13.
Variant type: single nucleotide variant.
Coding change: c.1951G>A on transcript NM_001352514.2 (MANE Select); coding-DNA position 1951, G replaced by A.
Protein change: p.Glu651Lys; replaces glutamic acid 651 with lysine.
Molecular consequence: missense variant. On other transcripts: non-coding transcript variant (2).
Genome position (GRCh38, 1-based): chr21:36,767,227, C>T on the plus strand (G>A on the coding strand, the complement: HLCS is on the minus strand). VCF-style: chr21-36767227-C-T. GRCh37 (hg19) VCF-style: chr21-38139528-C-T.
Other names: c.1510G>A, p.Glu504Lys (NM_000411.8, NM_001242784.3, NM_001242785.2 and 4 more transcripts); short protein forms E651K, E504K.
Identifiers: ClinVar variation 1410956 (VCV001410956.3), dbSNP rs1035549573, ClinGen allele CA320424953.